The following is an entry in ClinVar:

NM_005222.4(DLX6):c.123A>G (p.Gln41=)

Genes: DLX6 (distal-less homeobox 6; plus strand), DLX6-AS1 (DLX6 antisense RNA 1; minus strand). Cytogenetic location: 7q21.3.
Variant type: single nucleotide variant.
Coding change: c.123A>G on transcript NM_005222.4 (MANE Select); coding-DNA position 123, A replaced by G.
Protein change: p.Gln41=; no amino-acid change (glutamine 41 retained).
Molecular consequence: synonymous variant.
Genome position (GRCh38, 1-based): chr7:97,006,100, A>G. VCF-style: chr7-97006100-A-G. GRCh37 (hg19) VCF-style: chr7-96635412-A-G.
Identifiers: ClinVar variation 1586929 (VCV001586929.14), dbSNP rs770218717, ClinGen allele CA4353712.

ClinVar aggregate classification (germline): Likely benign. Review status: criteria provided, multiple submitters, no conflicts (2 of 4 stars). 2 submissions from 2 submitters: Likely benign (2). Last evaluated 2025-11-01.

Allele frequency attached by ClinVar (database versions not stated): ExAC 0.00019; gnomAD exomes 0.00027; gnomAD 0.00043 and 0.00047.

Submissions (2):

CeGaT Center for Human Genetics Tuebingen
Classification: Likely benign. Last evaluated: 2025-11-01. Review status: criteria provided, single submitter. Criteria: CeGaT Center For Human Genetics Tuebingen Variant Classification Criteria Version 2. Collection method: clinical testing. Allele origin: germline. Affected: yes. Observed: 1 variant allele.
Comment: DLX6: BP4, BP7

Labcorp Genetics (formerly Invitae), Labcorp
Classification: Likely benign. Last evaluated: 2024-03-11. Review status: criteria provided, single submitter. Criteria: Invitae Variant Classification Sherloc (09022015). Collection method: clinical testing. Allele origin: germline.